The following is an entry in ClinVar:

NM_023067.4(FOXL2):c.501C>T (p.Phe167=)

Gene: FOXL2 (forkhead box L2; minus strand). Cytogenetic location: 3q22.3.
Variant type: single nucleotide variant.
Coding change: c.501C>T on transcript NM_023067.4 (MANE Select); coding-DNA position 501, C replaced by T.
Protein change: p.Phe167=; no amino-acid change (phenylalanine 167 retained).
Molecular consequence: synonymous variant.
Genome position (GRCh38, 1-based): chr3:138,946,222, G>A on the plus strand (C>T on the coding strand, the complement: FOXL2 is on the minus strand). VCF-style: chr3-138946222-G-A. GRCh37 (hg19) VCF-style: chr3-138665064-G-A.
Identifiers: ClinVar variation 261661 (VCV000261661.15), dbSNP rs61750361, ClinGen allele CA2639759.

ClinVar aggregate classification (germline): Benign. Review status: criteria provided, multiple submitters, no conflicts (2 of 4 stars). 6 submissions from 6 submitters: Benign (6). Last evaluated 2026-01-26.

Conditions:
Blepharophimosis, ptosis, and epicanthus inversus syndrome. Identifiers: Orphanet 126, MedGen C0220663, MONDO:0007201, OMIM 110100.

Allele frequency attached by ClinVar (database versions not stated): gnomAD exomes 0.03233 and 0.05013; gnomAD 0.11364 and 0.11764; ExAC 0.11678; TOPMed 0.11784; 1000 Genomes Project 0.13598; 1000 Genomes Project 30x 0.13929.

Submissions (6):

Labcorp Genetics (formerly Invitae), Labcorp
Classification: Benign. Last evaluated: 2026-01-26. Review status: criteria provided, single submitter. Criteria: Invitae Variant Classification Sherloc (09022015). Collection method: clinical testing. Allele origin: germline.

Blueprint Genetics
Classification: Benign. Last evaluated: 2024-11-26. Review status: criteria provided, single submitter. Criteria: ACMG Guidelines, 2015. Collection method: clinical testing. Allele origin: germline.

Eurofins Ntd Llc (ga)
Classification: Benign. Last evaluated: 2017-03-14. Review status: criteria provided, single submitter. Criteria: EGL Classification Definitions 2015. Collection method: clinical testing. Allele origin: germline. Observed: 1 variant allele, 1 heterozygote.

Genomic Diagnostic Laboratory, Division of Genomic Diagnostics, Children's Hospital of Philadelphia
Classification: Benign for Blepharophimosis, ptosis, and epicanthus inversus syndrome. Last evaluated: 2016-11-03. Review status: criteria provided, single submitter. Criteria: DGD Variant Analysis Guidelines. Collection method: clinical testing. Allele origin: germline. Affected: yes. Observed: 1 variant allele.
Comment: Clinical Testing

Breakthrough Genomics
Classification: Benign. Review status: criteria provided, single submitter. Criteria: ACMG Guidelines, 2015. Collection method: not provided. Allele origin: germline. Inheritance: Autosomal dominant inheritance. Affected: yes.

PreventionGenetics, part of Exact Sciences
Classification: Benign. Review status: criteria provided, single submitter. Criteria: ACMG Guidelines, 2015. Collection method: clinical testing. Allele origin: germline.